The following is an entry in ClinVar:

ClinVar aggregate classification (germline): Uncertain significance (1 of 4 stars; one submission).

Conditions:
Evans syndrome, immunodeficiency, and premature immunosenescence associated with tripeptidyl-peptidase II deficiency. Identifiers: MedGen CN231723. Disease mechanism: loss of function.

Allele frequency attached by ClinVar (database versions not stated): gnomAD 0.00001.
gnomAD v4.1: 7 of 1,605,434 alleles (0.00044%); highest among the groups gnomAD compares: Non-Finnish European, 0.00051%; no homozygotes.

Submission:

Labcorp Genetics (formerly Invitae), Labcorp
Classification: Uncertain significance for Evans syndrome, immunodeficiency, and premature immunosenescence associated with tripeptidyl-peptidase II deficiency. Last evaluated: 2024-08-31. Review status: criteria provided, single submitter. Criteria: Invitae Variant Classification Sherloc (09022015). Collection method: clinical testing. Allele origin: germline.
Comment: This sequence change replaces leucine, which is neutral and non-polar, with valine, which is neutral and non-polar, at codon 301 of the TPP2 protein (p.Leu301Val). This variant is not present in population databases (gnomAD no frequency). This variant has not been reported in the literature in individuals affected with TPP2-related conditions. An algorithm developed to predict the effect of missense changes on protein structure and function (PolyPhen-2) suggests that this variant is likely to be disruptive. Algorithms developed to predict the effect of sequence changes on RNA splicing suggest that this variant may create or strengthen a splice site. In summary, the available evidence is currently insufficient to determine the role of this variant in disease. Therefore, it has been classified as a Variant of Uncertain Significance.

NM_001330588.2(TPP2):c.901C>G (p.Leu301Val)

Gene: TPP2 (tripeptidyl peptidase 2; plus strand). Cytogenetic location: 13q33.1.
Variant type: single nucleotide variant.
Coding change: c.901C>G on transcript NM_001330588.2 (MANE Select); coding-DNA position 901, C replaced by G.
Protein change: p.Leu301Val; replaces leucine 301 with valine.
Molecular consequence: missense variant. On other transcripts: non-coding transcript variant (1).
Genome position (GRCh38, 1-based): chr13:102,627,128, C>G. VCF-style: chr13-102627128-C-G. GRCh37 (hg19) VCF-style: chr13-103279478-C-G.
Other names: c.901C>G, p.Leu301Val (NM_001367947.1, NM_003291.4); short protein forms L301V.
Identifiers: ClinVar variation 2721086 (VCV002721086.3), dbSNP rs754881254, ClinGen allele CA388480234.